The following is an entry in ClinVar:

NM_003049.4(SLC10A1):c.397_403del (p.Met133fs)

Gene: SLC10A1 (solute carrier family 10 member 1; minus strand). Cytogenetic location: 14q24.1.
Variant type: Deletion.
Coding change: c.397_403del on transcript NM_003049.4 (MANE Select); coding-DNA positions 397 to 403, 7 bases deleted (ATGATGC; older notation c.397_403delATGATGC).
Protein change: p.Met133fs; shifts the reading frame from methionine 133.
Molecular consequence: frameshift variant.
Genome position (GRCh38, 1-based): chr14:69,786,261-69,786,267, GCATCAT deleted on the plus strand (ATGATGC on the coding strand, the reverse complement: SLC10A1 is on the minus strand); deleting any 7 consecutive bases within chr14:69,786,261-69,786,269 gives the same sequence; the c. name uses the placement nearest the transcript's 3' end. VCF-style (leftmost placement, unchanged base first): chr14-69786260-GGCATCAT-G. GRCh37 (hg19) VCF-style: chr14-70252977-GGCATCAT-G.
Other names: short protein forms M133fs.
Identifiers: ClinVar variation 2635476 (VCV002635476.1), dbSNP rs2503028730, ClinGen allele CA2695199831.
Genomic context (GRCh38, chr14:69,786,260, plus strand): 5'-GGCACCTTGTCCTTCAGGTCCCCATCATAGATCCCCCTGGAGTAGATGTACAGGAGGAGA[GGCATCAT>G]GCCAAGGGCACAGAAGGTGGAGCAGGTGGTCATCACAATGCTGGTGGGAGACATGGGAAG-3'

ClinVar aggregate classification (germline): Likely pathogenic (1 of 4 stars; one submission).

Conditions:
SLC10A1-related disorder. Also called: SLC10A1-related condition.

Submission:

PreventionGenetics, part of Exact Sciences
Classification: Likely pathogenic for SLC10A1-related condition. Last evaluated: 2022-10-24. Review status: criteria provided, single submitter. Criteria: ACMG Guidelines, 2015. Collection method: clinical testing. Allele origin: germline.
Comment: The SLC10A1 c.397_403del7 variant is predicted to result in a frameshift and premature protein termination (p.Met133Leufs*16). To our knowledge, this variant has not been reported in the literature or in a large population database, indicating this variant is rare. Frameshift variants in SLC10A1 are expected to be pathogenic. This variant is interpreted as likely pathogenic.